The following is an entry in ClinVar:

ClinVar aggregate classification (germline): Uncertain significance. Review status: criteria provided, multiple submitters, no conflicts (2 of 4 stars). 2 submissions from 2 submitters: Uncertain significance (2). Last evaluated 2025-04-24.

Allele frequency attached by ClinVar (database versions not stated): TOPMed below 0.00001; ExAC 0.00001.

Submissions (2):

Ambry Genetics
Classification: Uncertain significance. Last evaluated: 2025-04-24. Review status: criteria provided, single submitter. Criteria: Ambry Variant Classification Scheme 2023. Collection method: clinical testing. Allele origin: germline.
Comment: The p.K690T variant (also known as c.2069A>C), located in coding exon 17 of the A2ML1 gene, results from an A to C substitution at nucleotide position 2069. The lysine at codon 690 is replaced by threonine, an amino acid with similar properties. This amino acid position is conserved. In addition, this alteration is predicted to be tolerated by in silico analysis. Based on the available evidence, the clinical significance of this variant remains unclear.

Labcorp Genetics (formerly Invitae), Labcorp
Classification: Uncertain significance. Last evaluated: 2022-06-19. Review status: criteria provided, single submitter. Criteria: Invitae Variant Classification Sherloc (09022015). Collection method: clinical testing. Allele origin: germline.
Comment: This variant has not been reported in the literature in individuals affected with A2ML1-related conditions. In summary, the available evidence is currently insufficient to determine the role of this variant in disease. Therefore, it has been classified as a Variant of Uncertain Significance. Algorithms developed to predict the effect of missense changes on protein structure and function (SIFT, PolyPhen-2, Align-GVGD) all suggest that this variant is likely to be tolerated. This variant is not present in population databases (gnomAD no frequency). This sequence change replaces lysine, which is basic and polar, with threonine, which is neutral and polar, at codon 690 of the A2ML1 protein (p.Lys690Thr).

NM_144670.6(A2ML1):c.2069A>C (p.Lys690Thr)

Gene: A2ML1 (alpha-2-macroglobulin like 1; plus strand). Cytogenetic location: 12p13.31.
Variant type: single nucleotide variant.
Coding change: c.2069A>C on transcript NM_144670.6 (MANE Select); coding-DNA position 2069, A replaced by C.
Protein change: p.Lys690Thr; replaces lysine 690 with threonine.
Molecular consequence: missense variant.
Genome position (GRCh38, 1-based): chr12:8,849,709, A>C. VCF-style: chr12-8849709-A-C. GRCh37 (hg19) VCF-style: chr12-9002305-A-C.
Other names: c.596A>C, p.Lys199Thr (NM_001282424.3); c.2069A>C (NM_144670.3); short protein forms K690T, K199T.
Identifiers: ClinVar variation 1956798 (VCV001956798.6), dbSNP rs767308515, ClinGen allele CA6435894.